The following is an entry in ClinVar:

ClinVar aggregate classification (germline): Uncertain significance (1 of 4 stars; one submission).

Conditions:
Hereditary cancer-predisposing syndrome. Also called: Neoplastic Syndromes, Hereditary; Hereditary neoplastic syndrome; Tumor predisposition; Hereditary Cancer Syndrome. Identifiers: Orphanet 140162, MedGen C0027672, MeSH D009386, MONDO:0015356.

Submission:

Ambry Genetics
Classification: Uncertain significance for Hereditary cancer-predisposing syndrome. Last evaluated: 2023-01-16. Review status: criteria provided, single submitter. Criteria: Ambry Variant Classification Scheme 2023. Collection method: clinical testing. Allele origin: germline.
Comment: The p.P399S variant (also known as c.1195C>T), located in coding exon 6 of the RET gene, results from a C to T substitution at nucleotide position 1195. The proline at codon 399 is replaced by serine, an amino acid with similar properties. This amino acid position is conserved. In addition, the in silico prediction for this alteration is inconclusive. Since supporting evidence is limited at this time, the clinical significance of this alteration remains unclear.

NM_020975.6(RET):c.1195C>T (p.Pro399Ser)

Gene: RET (ret proto-oncogene; plus strand). Cytogenetic location: 10q11.21.
Variant type: single nucleotide variant.
Coding change: c.1195C>T on transcript NM_020975.6 (MANE Select); coding-DNA position 1195, C replaced by T.
Protein change: p.Pro399Ser; replaces proline 399 with serine.
Molecular consequence: missense variant. On other transcripts: intron variant (18).
Genome position (GRCh38, 1-based): chr10:43,109,162, C>T. VCF-style: chr10-43109162-C-T. GRCh37 (hg19) VCF-style: chr10-43604610-C-T.
Other names: c.1195C>T, p.Pro399Ser (NM_000323.2, NM_001406743.1, NM_001406744.1 and 6 more transcripts); c.433C>T, p.Pro145Ser (NM_001355216.2); c.1066C>T, p.Pro356Ser (NM_001406761.1, NM_001406762.1, NM_001406764.1 and 1 more transcripts); c.907C>T, p.Pro303Ser (NM_001406766.1, NM_001406767.1, NM_001406770.1); c.757C>T, p.Pro253Ser (NM_001406771.1, NM_001406773.1); c.469C>T, p.Pro157Ser (NM_001406775.1, NM_001406776.1, NM_001406777.1 and 1 more transcripts); c.205C>T, p.Pro69Ser (NM_001406784.1); c.868-2045C>T (NM_001406772.1, NM_001406769.1); and 5 more; short protein forms P303S, P399S, P69S, P157S, P356S, P145S, P253S.
Identifiers: ClinVar variation 2454140 (VCV002454140.2), dbSNP rs1588869500, ClinGen allele CA376547748.
Genomic context (GRCh38, chr10:43,109,162, plus strand): 5'-TCAGACTTCCAGGGCCCAGGAGCGGGCGTCCTCTTGCTCCACTTCAACGTGTCGGTGCTG[C>T]CGGTCAGCCTGCACCTGCCCAGTACCTACTCCCTCTCCGTGAGCAGGAGGGCTCGCCGAT-3'
Protein context (NP_066124.1, residues 389-409): LLLHFNVSVL[Pro399Ser]VSLHLPSTYS